The following is an entry in ClinVar:

NM_000548.5(TSC2):c.5011G>A (p.Val1671Met)

Gene: TSC2 (TSC complex subunit 2; plus strand). Cytogenetic location: 16p13.3.
Variant type: single nucleotide variant.
Coding change: c.5011G>A on transcript NM_000548.5 (MANE Select); coding-DNA position 5011, G replaced by A.
Protein change: p.Val1671Met; replaces valine 1671 with methionine.
Molecular consequence: missense variant.
Genome position (GRCh38, 1-based): chr16:2,087,884, G>A. VCF-style: chr16-2087884-G-A. GRCh37 (hg19) VCF-style: chr16-2137885-G-A.
Other names: c.4810G>A, p.Val1604Met (NM_001077183.3); c.4942G>A, p.Val1648Met (NM_001114382.3); c.4702G>A, p.Val1568Met (NM_001318827.2); c.4666G>A, p.Val1556Met (NM_001318829.2); c.4279G>A, p.Val1427Met (NM_001318831.2); c.4843G>A, p.Val1615Met (NM_001318832.2); c.4813G>A, p.Val1605Met (NM_001363528.2); c.4879G>A, p.Val1627Met (NM_001370404.1); and 1 more; short protein forms V1427M, V1556M, V1568M, V1604M, V1605M, V1615M, V1627M, V1628M.
Identifiers: ClinVar variation 1001876 (VCV001001876.12), dbSNP rs775395648, ClinGen allele CA053487.

ClinVar aggregate classification (germline): Conflicting classifications of pathogenicity. Review status: criteria provided, conflicting classifications (1 of 4 stars). 4 submissions from 4 submitters: Uncertain significance (3); Likely benign (1). Last evaluated 2026-06-29.

Conditions:
Hereditary cancer-predisposing syndrome. Also called: Neoplastic Syndromes, Hereditary; Hereditary neoplastic syndrome; Tumor predisposition; Hereditary Cancer Syndrome. Identifiers: Orphanet 140162, MedGen C0027672, MeSH D009386, MONDO:0015356.
Tuberous sclerosis 2 (TSC2). Identifiers: Orphanet 805, MedGen C1860707, MONDO:0013199, OMIM 613254.

Allele frequency attached by ClinVar (database versions not stated): gnomAD exomes below 0.00001; ExAC 0.00001; gnomAD 0.00001; TOPMed 0.00001.
gnomAD v4.1: 8 of 1,612,448 alleles (0.0005%); highest among the groups gnomAD compares: South Asian, 0.0044%; no homozygotes.

Submissions (4):

Laboratory of Medical Genetics, University of Torino
Classification: Uncertain significance for Tuberous sclerosis 2. Last evaluated: 2026-06-29. Review status: criteria provided, single submitter. Criteria: ACMG Guidelines, 2015. Collection method: clinical testing. Allele origin: maternal. Affected: yes.

Ambry Genetics
Classification: Uncertain significance for Hereditary cancer-predisposing syndrome. Last evaluated: 2025-07-17. Review status: criteria provided, single submitter. Criteria: Ambry Variant Classification Scheme 2023. Collection method: clinical testing. Allele origin: germline.
Comment: The p.V1671M variant (also known as c.5011G>A), located in coding exon 38 of the TSC2 gene, results from a G to A substitution at nucleotide position 5011. The valine at codon 1671 is replaced by methionine, an amino acid with highly similar properties. This variant was detected in 1/53 individuals diagnosed with tuberous sclerosis (Suspitsin EN et al. J. Hum. Genet., 2018 May;63:597-604). This amino acid position is highly conserved in available vertebrate species. In addition, this alteration is predicted to be deleterious by in silico analysis. Based on the available evidence, the clinical significance of this variant remains unclear.

Labcorp Genetics (formerly Invitae), Labcorp
Classification: Likely benign for Tuberous sclerosis 2. Last evaluated: 2025-06-18. Review status: criteria provided, single submitter. Criteria: Invitae Variant Classification Sherloc (09022015). Collection method: clinical testing. Allele origin: germline.

Victorian Clinical Genetics Services, Murdoch Childrens Research Institute
Classification: Uncertain significance for Tuberous sclerosis 2. Last evaluated: 2020-07-02. Review status: criteria provided, single submitter. Criteria: ACMG Guidelines, 2015. Collection method: clinical testing. Allele origin: germline. Inheritance: Autosomal dominant inheritance.
Comment: Based on the classification scheme VCGS_Germline_v1.1.1, this variant is classified as 3A-VUS. Following criteria are met: 0102 - Loss-of-function is a known mechanism of disease for this gene. (N) 0107 - This gene is known to be associated with autosomal dominant disease. (N) 0200 - Variant is predicted to result in a missense amino acid change from valine to methionine (exon 39). (N) 0251 - Variant is heterozygous. (N) 0302 - Variant is present in gnomAD <0.001 for a dominant condition (1 heterozygote, 0 homozygotes). (P) 0501 - Missense variant consistently predicted to be damaging by multiple in silico tools or highly conserved with a major amino acid change. (P) 0600 - Variant is located in an annotated domain or motif. In the RAP-GAP domain (DECIPHER, NCBI, PDB). (N) 0704 - Comparable variant has low previous evidence for pathogenicity. p.(Val1671Gly) was observed in a patient with epilepsy (PMID: 29930392). (P) 0804 - Variant is in the population at low frequency and has previously been described as a variant of uncertain significance in a single case with consistent phenotype (PMID: 29476190). (N) 0905 - No segregation evidence has been identified for this variant. (N) 1007 - No published functional evidence has been identified for this variant. (N) Legend: (P) - Pathogenic, (N) - Neutral, (B) - Benign

Literature cited by the submitters: PubMed 29476190 (cited by Ambry Genetics and Victorian Clinical Genetics Services, Murdoch Childrens Research Institute); PubMed 29930392 (cited by Victorian Clinical Genetics Services, Murdoch Childrens Research Institute).